The following is an entry in ClinVar:

NM_001378457.1(DMXL2):c.1535T>C (p.Ile512Thr)

Gene: DMXL2 (Dmx like 2; minus strand). Cytogenetic location: 15q21.2.
Variant type: single nucleotide variant.
Coding change: c.1535T>C on transcript NM_001378457.1 (MANE Select); coding-DNA position 1535, T replaced by C.
Protein change: p.Ile512Thr; replaces isoleucine 512 with threonine.
Molecular consequence: missense variant. On other transcripts: non-coding transcript variant (2).
Genome position (GRCh38, 1-based): chr15:51,537,570, A>G on the plus strand (T>C on the coding strand, the complement: DMXL2 is on the minus strand). VCF-style: chr15-51537570-A-G. GRCh37 (hg19) VCF-style: chr15-51829767-A-G.
Other names: c.1535T>C, p.Ile512Thr (NM_001174116.3, NM_001174117.3, NM_001378458.1 and 6 more transcripts); c.1295T>C, p.Ile432Thr (NM_001378464.1); short protein forms I432T, I512T.
Identifiers: ClinVar variation 2035449 (VCV002035449.4), dbSNP rs2548611300, ClinGen allele CA392467315.

ClinVar aggregate classification (germline): Uncertain significance (1 of 4 stars; one submission).

Submission:

Labcorp Genetics (formerly Invitae), Labcorp
Classification: Uncertain significance. Last evaluated: 2024-04-17. Review status: criteria provided, single submitter. Criteria: Invitae Variant Classification Sherloc (09022015). Collection method: clinical testing. Allele origin: germline.
Comment: This sequence change replaces isoleucine, which is neutral and non-polar, with threonine, which is neutral and polar, at codon 512 of the DMXL2 protein (p.Ile512Thr). This variant is not present in population databases (gnomAD no frequency). This variant has not been reported in the literature in individuals affected with DMXL2-related conditions. ClinVar contains an entry for this variant (Variation ID: 2035449). An algorithm developed to predict the effect of missense changes on protein structure and function (PolyPhen-2) suggests that this variant is likely to be disruptive. In summary, the available evidence is currently insufficient to determine the role of this variant in disease. Therefore, it has been classified as a Variant of Uncertain Significance.